The following is an entry in ClinVar:

ClinVar aggregate classification (germline): Uncertain significance. Review status: criteria provided, multiple submitters, no conflicts (2 of 4 stars). 2 submissions from 2 submitters: Uncertain significance (2). Last evaluated 2025-12-31.

Conditions:
Neurodevelopmental disorder with or without hyperkinetic movements and seizures, autosomal dominant. Also called: Intellectual disability, autosomal dominant 8. Identifiers: MedGen C3280282, MONDO:0013655, OMIM 614254.
Neurodevelopmental disorder with or without hyperkinetic movements and seizures, autosomal recessive. Identifiers: MedGen C4693325, MONDO:0060629, OMIM 617820.

gnomAD v4.1: 2 of 1,612,752 alleles (0.00012%); highest among the groups gnomAD compares: Non-Finnish European, 0.00017%; no homozygotes.

Submissions (2):

3billion
Classification: Uncertain significance for Neurodevelopmental disorder with or without hyperkinetic movements and seizures, autosomal recessive. Last evaluated: 2025-12-31. Review status: criteria provided, single submitter. Criteria: ACMG Guidelines, 2015. Collection method: clinical testing. Allele origin: germline. Affected: yes.
Comment: The variant is observed at an extremely low frequency in the gnomAD v4.1.0 dataset (total allele frequency: <0.001%). Predicted Consequence/Location: Missense variant. Missense changes are a common disease-causing mechanism. In silico tool predictions suggest damaging effect of the variant on gene or gene product [REVEL: 0.76 (>=0.6, sensitivity 0.68 and specificity 0.92)]. The variant has been reported as of uncertain significance (ClinVar ID: VCV001413868). Therefore, this variant is classified as VUS according to the recommendation of ACMG/AMP guideline.

Labcorp Genetics (formerly Invitae), Labcorp
Classification: Uncertain significance for Neurodevelopmental disorder with or without hyperkinetic movements and seizures, autosomal dominant. Last evaluated: 2025-12-10. Review status: criteria provided, single submitter. Criteria: Invitae Variant Classification Sherloc (09022015). Collection method: clinical testing. Allele origin: germline.
Comment: This sequence change replaces isoleucine, which is neutral and non-polar, with asparagine, which is neutral and polar, at codon 379 of the GRIN1 protein (p.Ile379Asn). This variant is not present in population databases (gnomAD no frequency). This missense change has been observed in individual(s) with clinical features of GRIN1-related conditions (internal data). ClinVar contains an entry for this variant (Variation ID: 1413868). Invitae Evidence Modeling of protein sequence and biophysical properties (such as structural, functional, and spatial information, amino acid conservation, physicochemical variation, residue mobility, and thermodynamic stability) has been performed for this missense variant. However, the output from this modeling did not meet the statistical confidence thresholds required to predict the impact of this variant on GRIN1 protein function. In summary, the available evidence is currently insufficient to determine the role of this variant in disease. Therefore, it has been classified as a Variant of Uncertain Significance.

NM_007327.4(GRIN1):c.1136T>A (p.Ile379Asn)

Gene: GRIN1 (glutamate ionotropic receptor NMDA type subunit 1; plus strand). Cytogenetic location: 9q34.3.
Variant type: single nucleotide variant.
Coding change: c.1136T>A on transcript NM_007327.4 (MANE Select); coding-DNA position 1136, T replaced by A.
Protein change: p.Ile379Asn; replaces isoleucine 379 with asparagine.
Molecular consequence: missense variant.
Genome position (GRCh38, 1-based): chr9:137,158,643, T>A. VCF-style: chr9-137158643-T-A. GRCh37 (hg19) VCF-style: chr9-140053095-T-A.
Other names: c.1136T>A, p.Ile379Asn (NM_000832.7, NM_021569.4); c.1199T>A, p.Ile400Asn (NM_001185090.2, NM_001185091.2); short protein forms I400N, I379N.
Identifiers: ClinVar variation 1413868 (VCV001413868.9), dbSNP rs2131280711, ClinGen allele CA375715672.